The following is an entry in ClinVar:

NM_000238.4(KCNH2):c.3105_3112delinsAC (p.Gly1036_Val1038delinsLeu)

Gene: KCNH2 (potassium voltage-gated channel subfamily H member 2; minus strand). Cytogenetic location: 7q36.1.
Variant type: Indel.
Coding change: c.3105_3112delinsAC on transcript NM_000238.4 (MANE Select); coding-DNA positions 3105 to 3112, GGGCGACG replaced by AC.
Protein change: p.Gly1036_Val1038delinsLeu.
Molecular consequence: inframe indel.
Genome position (GRCh38, 1-based): chr7:150,947,368-150,947,375, CGTCGCCC replaced by GT on the plus strand (GGGCGACG replaced by AC on the coding strand, the reverse complement: KCNH2 is on the minus strand). VCF-style: chr7-150947368-CGTCGCCC-GT. GRCh37 (hg19) VCF-style: chr7-150644456-CGTCGCCC-GT.
Other names: c.2817_2824delGGGCGACGinsAC, p.Gly940_Val942delinsLeu (NM_001406753.1); c.2085_2092delinsAC, p.Gly696_Val698delinsLeu (NM_172057.3).
Identifiers: ClinVar variation 1727676 (VCV001727676.2), dbSNP rs1554424042, ClinGen allele CA2580077701.
Genomic context (GRCh38, chr7:150,947,368, plus strand): 5'-CCCCACCTGCACTCCCTCACCTGTTGAGCTGGCGCTGGAGGGCATCCAGCCTGCTCTCCA[CGTCGCCC>GT]CGGGGCCGCCGACCCGGGCTGGAGAGGGGGATGTTGAGGAGGCTGGGGGTGGGGGCGGGG-3'

ClinVar aggregate classification (germline): Uncertain significance (1 of 4 stars; one submission).

Conditions:
Cardiovascular phenotype. Identifiers: MedGen CN230736.

Submission:

Ambry Genetics
Classification: Uncertain significance for Cardiovascular phenotype. Last evaluated: 2019-06-26. Review status: criteria provided, single submitter. Criteria: Ambry Variant Classification Scheme 2023. Collection method: clinical testing. Allele origin: germline.
Comment: The c.3105_3112delGGGCGACGinsAC variant (also known as p.G1036_V1038delinsL), located in coding exon 13 of the KCNH2 gene, results from an in-frame deletion of GGGCGACG and insertion of AC at nucleotide positions 3105 to 3112. This results in the substitution of the glycine, aspartic acid, and valine residues for a leucine residue at codon 1036. These amino acid positions are not well conserved in available vertebrate species. Since supporting evidence is limited at this time, the clinical significance of this alteration remains unclear.